The following is an entry in ClinVar:

ClinVar aggregate classification (germline): Uncertain significance. Review status: criteria provided, multiple submitters, no conflicts (2 of 4 stars). 2 submissions from 2 submitters: Uncertain significance (2). Last evaluated 2025-08-22.

Conditions:
Inborn genetic diseases. Identifiers: MedGen C0950123, MeSH D030342.

Allele frequency attached by ClinVar (database versions not stated): gnomAD exomes below 0.00001.
gnomAD v4.1: 1 of 1,614,090 alleles (0.000062%); highest among the groups gnomAD compares: Non-Finnish European, 0.000085%; no homozygotes.

Submissions (2):

Ambry Genetics
Classification: Uncertain significance for Inborn genetic diseases. Last evaluated: 2025-08-22. Review status: criteria provided, single submitter. Criteria: Ambry Variant Classification Scheme 2023. Collection method: clinical testing. Allele origin: germline.
Comment: The p.I243V variant (also known as c.727A>G), located in coding exon 6 of the BUB1B gene, results from an A to G substitution at nucleotide position 727. The isoleucine at codon 243 is replaced by valine, an amino acid with highly similar properties. This amino acid position is conserved. In addition, this alteration is predicted to be tolerated by in silico analysis. Based on the available evidence, the clinical significance of this variant remains unclear.

Revvity Omics, Revvity
Classification: Uncertain significance. Last evaluated: 2019-09-04. Review status: criteria provided, single submitter. Criteria: ACMG Guidelines, 2015. Collection method: clinical testing. Allele origin: germline.

NM_001211.6(BUB1B):c.727A>G (p.Ile243Val)

Gene: BUB1B (BUB1 mitotic checkpoint serine/threonine kinase B; plus strand). Cytogenetic location: 15q15.1.
Variant type: single nucleotide variant.
Coding change: c.727A>G on transcript NM_001211.6 (MANE Select); coding-DNA position 727, A replaced by G.
Protein change: p.Ile243Val; replaces isoleucine 243 with valine.
Molecular consequence: missense variant.
Genome position (GRCh38, 1-based): chr15:40,183,859, A>G. VCF-style: chr15-40183859-A-G. GRCh37 (hg19) VCF-style: chr15-40476060-A-G.
Other names: short protein forms I243V.
Identifiers: ClinVar variation 2439583 (VCV002439583.4), dbSNP rs997764298, ClinGen allele CA268782691.